The following is an entry in ClinVar:

ClinVar aggregate classification (germline): Uncertain significance (1 of 4 stars; one submission).

Conditions:
Inborn genetic diseases. Identifiers: MedGen C0950123, MeSH D030342.

Submission:

Ambry Genetics
Classification: Uncertain significance for Inborn genetic diseases. Last evaluated: 2021-05-20. Review status: criteria provided, single submitter. Criteria: Ambry Variant Classification Scheme 2023. Collection method: clinical testing. Allele origin: germline.
Comment: The c.302A>G (p.Y101C) alteration is located in coding exon 2 of the THG1L gene. This alteration results from an A to G substitution at nucleotide position 302, causing the tyrosine (Y) at amino acid position 101 to be replaced by a cysteine (C). Based on data from the Genome Aggregation Database (gnomAD), the THG1L c.302A>G alteration was not observed, with coverage at this position. This amino acid position is highly conserved in available vertebrate species. The p.Y101C alteration is predicted to be deleterious by in silico analysis. Based on insufficient or conflicting evidence, the clinical significance of this alteration remains unclear.

NM_017872.5(THG1L):c.302A>G (p.Tyr101Cys)

Gene: THG1L (tRNA-histidine guanylyltransferase 1 like; plus strand). Cytogenetic location: 5q33.3.
Variant type: single nucleotide variant.
Coding change: c.302A>G on transcript NM_017872.5 (MANE Select); coding-DNA position 302, A replaced by G.
Protein change: p.Tyr101Cys; replaces tyrosine 101 with cysteine.
Molecular consequence: missense variant. On other transcripts: initiator codon variant (1), 5 prime UTR variant (1).
Genome position (GRCh38, 1-based): chr5:157,732,978, A>G. VCF-style: chr5-157732978-A-G. GRCh37 (hg19) VCF-style: chr5-157159986-A-G.
Other names: c.1A>G, p.Met1Val (NM_001317824.2); c.-70A>G (NM_001317825.2); c.116A>G, p.Tyr39Cys (NM_001317826.2); short protein forms M1V, Y101C, Y39C.
Identifiers: ClinVar variation 3177055 (VCV003177055.1), dbSNP rs2479928414, ClinGen allele CA361987879.